The following is an entry in ClinVar:

NM_000346.4(SOX9):c.685+7C>T

Gene: SOX9 (SRY-box transcription factor 9; plus strand). Cytogenetic location: 17q24.3.
Variant type: single nucleotide variant.
Coding change: c.685+7C>T on transcript NM_000346.4 (MANE Select); 7 bases into the intron after coding-DNA position 685, C replaced by T.
Molecular consequence: intron variant.
Genome position (GRCh38, 1-based): chr17:72,122,979, C>T. VCF-style: chr17-72122979-C-T. GRCh37 (hg19) VCF-style: chr17-70119120-C-T.
Identifiers: ClinVar variation 500285 (VCV000500285.51), dbSNP rs370951695, ClinGen allele CA8738984.

ClinVar aggregate classification (germline): Conflicting classifications of pathogenicity. Review status: criteria provided, conflicting classifications (1 of 4 stars). 4 submissions from 4 submitters: Uncertain significance (2); Likely benign (2). Last evaluated 2025-08-13.

Conditions:
SOX9-related disorder. Also called: SOX9-related condition.

Allele frequency attached by ClinVar (database versions not stated): ExAC 0.00006; gnomAD exomes 0.00007 and 0.00013; TOPMed 0.00007; ESP Exome Variant Server 0.00008; gnomAD 0.00008; 1000 Genomes Project 30x 0.00016.
gnomAD v4.1: 203 of 1,611,958 alleles (0.013%); highest among the groups gnomAD compares: Non-Finnish European, 0.016%; no homozygotes.

Submissions (4):

PreventionGenetics, part of Exact Sciences
Classification: Likely benign for SOX9-related condition. Last evaluated: 2025-08-13. Review status: criteria provided, single submitter. Criteria: ACMG Guidelines, 2015. Collection method: clinical testing. Allele origin: germline.
Comment: This variant is classified as likely benign based on ACMG/AMP sequence variant interpretation guidelines (Richards et al. 2015 PMID: 25741868, with internal and published modifications).

Labcorp Genetics (formerly Invitae), Labcorp
Classification: Likely benign. Last evaluated: 2018-04-03. Review status: criteria provided, single submitter. Criteria: Invitae Variant Classification Sherloc (09022015). Collection method: clinical testing. Allele origin: germline.

Eurofins Ntd Llc (ga)
Classification: Uncertain significance. Last evaluated: 2017-02-22. Review status: criteria provided, single submitter. Criteria: EGL Classification Definitions 2015. Collection method: clinical testing. Allele origin: germline. Observed: 1 variant allele, 1 heterozygote.

CeGaT Center for Human Genetics Tuebingen
Classification: Uncertain significance. Last evaluated: 2017-01-01. Review status: criteria provided, single submitter. Criteria: CeGaT Center For Human Genetics Tuebingen Variant Classification Criteria Version 2. Collection method: clinical testing. Allele origin: germline. Affected: yes. Observed: 1 variant allele.